The following is an entry in ClinVar:

ClinVar aggregate classification (germline): Likely benign (1 of 4 stars; one submission).

Allele frequency attached by ClinVar (database versions not stated): ExAC 0.00006; 1000 Genomes Project 0.00020; 1000 Genomes Project 30x 0.00031.
gnomAD v4.1: 12 of 1,603,414 alleles (0.00075%); highest among the groups gnomAD compares: African/African-American, 0.0013%; no homozygotes.

Submission:

CeGaT Center for Human Genetics Tuebingen
Classification: Likely benign. Last evaluated: 2023-01-01. Review status: criteria provided, single submitter. Criteria: CeGaT Center For Human Genetics Tuebingen Variant Classification Criteria Version 2. Collection method: clinical testing. Allele origin: germline. Affected: yes. Observed: 1 variant allele.
Comment: GRIP2: BP4, BP7

NM_001080423.4(GRIP2):c.2499G>A (p.Thr833=)

Gene: GRIP2 (glutamate receptor interacting protein 2; minus strand). Cytogenetic location: 3p25.1.
Variant type: single nucleotide variant.
Coding change: c.2499G>A on transcript NM_001080423.4 (MANE Select); coding-DNA position 2499, G replaced by A.
Protein change: p.Thr833=; no amino-acid change (threonine 833 retained).
Molecular consequence: synonymous variant.
Genome position (GRCh38, 1-based): chr3:14,505,689, C>T on the plus strand (G>A on the coding strand, the complement: GRIP2 is on the minus strand). VCF-style: chr3-14505689-C-T. GRCh37 (hg19) VCF-style: chr3-14547197-C-T.
Identifiers: ClinVar variation 2653582 (VCV002653582.24), dbSNP rs532562302, ClinGen allele CA2268919.